The following is an entry in ClinVar:

ClinVar aggregate classification (germline): Uncertain significance. Review status: criteria provided, multiple submitters, no conflicts (2 of 4 stars). 2 submissions from 2 submitters: Uncertain significance (2). Last evaluated 2025-11-21.

Conditions:
Catecholaminergic polymorphic ventricular tachycardia 1. Also called: RYR2-Related Catecholaminergic Polymorphic Ventricular Tachycardia; VENTRICULAR TACHYCARDIA, STRESS-INDUCED POLYMORPHIC 1; VENTRICULAR TACHYCARDIA, CATECHOLAMINERGIC POLYMORPHIC, 1, WITH OR WITHOUT ATRIAL DYSFUNCTION AND/OR DILATED CARDIOMYOPATHY. Identifiers: Orphanet 3286, MedGen C1631597, MONDO:0011484, OMIM 604772.

Submissions (2):

KardioGenetik, Herz- und Diabeteszentrum NRW
Classification: Uncertain significance for Catecholaminergic polymorphic ventricular tachycardia 1. Last evaluated: 2025-11-21. Review status: criteria provided, single submitter. Criteria: ACMG Guidelines, 2015. Collection method: clinical testing. Allele origin: unknown. Affected: yes. Observed: 1 variant allele.
Comment: The variant has not been described in databases or in the literature. According to the gnomAD database, no information on allele frequency in population cohorts is available. The assessment of the amino acid substitution Asp1471Asn by the bioinformatic meta-prediction tool REVEL is heterogeneous. Overall, based on the current data (literature, databases, prediction programs, etc.), the underlying ACMG-based classification does not allow the variant to be categorized as (likely) pathogenic or (likely) benign. (PM2_supporting, PP2)

Labcorp Genetics (formerly Invitae), Labcorp
Classification: Uncertain significance for Catecholaminergic polymorphic ventricular tachycardia 1. Last evaluated: 2025-08-09. Review status: criteria provided, single submitter. Criteria: Invitae Variant Classification Sherloc (09022015). Collection method: clinical testing. Allele origin: germline.
Comment: This sequence change replaces aspartic acid, which is acidic and polar, with asparagine, which is neutral and polar, at codon 1471 of the RYR2 protein (p.Asp1471Asn). This variant is not present in population databases (gnomAD no frequency). This variant has not been reported in the literature in individuals affected with RYR2-related conditions. Invitae Evidence Modeling of protein sequence and biophysical properties (such as structural, functional, and spatial information, amino acid conservation, physicochemical variation, residue mobility, and thermodynamic stability) indicates that this missense variant is not expected to disrupt RYR2 protein function with a negative predictive value of 95%. In summary, the available evidence is currently insufficient to determine the role of this variant in disease. Therefore, it has been classified as a Variant of Uncertain Significance.

NM_001035.3(RYR2):c.4411G>A (p.Asp1471Asn)

Gene: RYR2 (ryanodine receptor 2; plus strand). Cytogenetic location: 1q43.
Variant type: single nucleotide variant.
Coding change: c.4411G>A on transcript NM_001035.3 (MANE Select); coding-DNA position 4411, G replaced by A.
Protein change: p.Asp1471Asn; replaces aspartic acid 1471 with asparagine.
Molecular consequence: missense variant.
Genome position (GRCh38, 1-based): chr1:237,593,611, G>A. VCF-style: chr1-237593611-G-A. GRCh37 (hg19) VCF-style: chr1-237756911-G-A.
Other names: short protein forms D1471N.
Identifiers: ClinVar variation 4688048 (VCV004688048.2).